The following is an entry in ClinVar:

ClinVar aggregate classification (germline): Benign. Review status: criteria provided, multiple submitters, no conflicts (2 of 4 stars). 3 submissions from 3 submitters: Benign (2). 1 of the submissions does not count toward it. Last evaluated 2019-12-31.

Conditions:
XIRP1-related disorder. Also called: XIRP1-related condition.

Allele frequency attached by ClinVar (database versions not stated): ExAC 0.00529; 1000 Genomes Project 0.01797; TOPMed 0.01900; 1000 Genomes Project 30x 0.01936; gnomAD 0.01719 and 0.01839; ESP Exome Variant Server 0.02068.
gnomAD v4.1: 5,365 of 1,614,218 alleles (0.33%); highest among the groups gnomAD compares: African/African-American, 6%; 167 homozygotes.

Submissions (3):

Labcorp Genetics (formerly Invitae), Labcorp
Classification: Benign. Last evaluated: 2019-12-31. Review status: criteria provided, single submitter. Criteria: Invitae Variant Classification Sherloc (09022015). Collection method: clinical testing. Allele origin: germline.

Breakthrough Genomics
Classification: Benign. Review status: criteria provided, single submitter. Criteria: ACMG Guidelines, 2015. Collection method: not provided. Allele origin: germline. Inheritance: Unknown mechanism. Affected: yes.

PreventionGenetics, part of Exact Sciences
Classification: Benign for XIRP1-related condition. Last evaluated: 2019-02-21. Review status: no assertion criteria provided. Collection method: clinical testing. Allele origin: germline. Not counted in ClinVar's aggregate classification.
Comment: This variant is classified as benign based on ACMG/AMP sequence variant interpretation guidelines (Richards et al. 2015 PMID: 25741868, with internal and published modifications).

NM_194293.4(XIRP1):c.5121G>T (p.Gln1707His)

Gene: XIRP1 (xin actin binding repeat containing 1; minus strand). Cytogenetic location: 3p22.2.
Variant type: single nucleotide variant.
Coding change: c.5121G>T on transcript NM_194293.4 (MANE Select); coding-DNA position 5121, G replaced by T.
Protein change: p.Gln1707His; replaces glutamine 1707 with histidine.
Molecular consequence: missense variant. On other transcripts: 3 prime UTR variant (1).
Genome position (GRCh38, 1-based): chr3:39,184,325, C>A on the plus strand (G>T on the coding strand, the complement: XIRP1 is on the minus strand). VCF-style: chr3-39184325-C-A. GRCh37 (hg19) VCF-style: chr3-39225816-C-A.
Other names: c.*1328G>T (NM_001198621.4); c.1170G>T, p.Gln390His (NM_001351377.2); short protein forms Q390H, Q1707H.
Identifiers: ClinVar variation 786008 (VCV000786008.7), dbSNP rs34053674, ClinGen allele CA2325713.